The following is an entry in ClinVar:

ClinVar aggregate classification (germline): Uncertain significance (1 of 4 stars; one submission).

Conditions:
Inborn genetic diseases. Identifiers: MedGen C0950123, MeSH D030342.

Submission:

Ambry Genetics
Classification: Uncertain significance for Inborn genetic diseases. Last evaluated: 2022-05-21. Review status: criteria provided, single submitter. Criteria: Ambry Variant Classification Scheme 2023. Collection method: clinical testing. Allele origin: germline.
Comment: The p.C90R variant (also known as c.268T>C), located in coding exon 1 of the PIK3CA gene, results from a T to C substitution at nucleotide position 268. The cysteine at codon 90 is replaced by arginine, an amino acid with highly dissimilar properties. This amino acid position is conserved. In addition, this alteration is predicted to be deleterious by in silico analysis. Since supporting evidence is limited at this time, the clinical significance of this alteration remains unclear.

NM_006218.4(PIK3CA):c.268T>C (p.Cys90Arg)

Gene: PIK3CA (phosphatidylinositol-4,5-bisphosphate 3-kinase catalytic subunit alpha; plus strand). Cytogenetic location: 3q26.32.
Variant type: single nucleotide variant.
Coding change: c.268T>C on transcript NM_006218.4 (MANE Select); coding-DNA position 268, T replaced by C.
Protein change: p.Cys90Arg; replaces cysteine 90 with arginine.
Molecular consequence: missense variant.
Genome position (GRCh38, 1-based): chr3:179,199,093, T>C. VCF-style: chr3-179199093-T-C. GRCh37 (hg19) VCF-style: chr3-178916881-T-C.
Other names: short protein forms C90R.
Identifiers: ClinVar variation 1794794 (VCV001794794.2), dbSNP rs2108386041, ClinGen allele CA355272421.